The following is an entry in ClinVar:

NM_030665.4(RAI1):c.1998C>T (p.Ala666=)

Gene: RAI1 (retinoic acid induced 1; plus strand). Cytogenetic location: 17p11.2.
Variant type: single nucleotide variant.
Coding change: c.1998C>T on transcript NM_030665.4 (MANE Select); coding-DNA position 1998, C replaced by T.
Protein change: p.Ala666=; no amino-acid change (alanine 666 retained).
Molecular consequence: synonymous variant.
Genome position (GRCh38, 1-based): chr17:17,794,946, C>T. VCF-style: chr17-17794946-C-T. GRCh37 (hg19) VCF-style: chr17-17698260-C-T.
Other names: c.1998C>T (NM_030665.3).
Identifiers: ClinVar variation 2772244 (VCV002772244.4), dbSNP rs905949839, ClinGen allele CA498423369.

ClinVar aggregate classification (germline): Likely benign. Review status: criteria provided, single submitter (1 of 4 stars). 2 submissions from 2 submitters: Likely benign (1). 1 of the submissions does not count toward it. Last evaluated 2023-10-28.

Conditions:
RAI1-related disorder. Also called: RAI1-related condition.

Allele frequency attached by ClinVar (database versions not stated): gnomAD exomes 0.00001.
gnomAD v4.1: 3 of 1,613,748 alleles (0.00019%); highest among the groups gnomAD compares: Non-Finnish European, 0.00025%; no homozygotes.

Submissions (2):

Labcorp Genetics (formerly Invitae), Labcorp
Classification: Likely benign. Last evaluated: 2023-10-28. Review status: criteria provided, single submitter. Criteria: Invitae Variant Classification Sherloc (09022015). Collection method: clinical testing. Allele origin: germline.

PreventionGenetics, part of Exact Sciences
Classification: Likely benign for RAI1-related condition. Last evaluated: 2022-08-30. Review status: no assertion criteria provided. Collection method: clinical testing. Allele origin: germline. Not counted in ClinVar's aggregate classification.
Comment: This variant is classified as likely benign based on ACMG/AMP sequence variant interpretation guidelines (Richards et al. 2015 PMID: 25741868, with internal and published modifications).